The following is an entry in ClinVar:

NM_002528.7(NTHL1):c.154A>G (p.Lys52Glu)

Gene: NTHL1 (nth like DNA glycosylase 1; minus strand). Cytogenetic location: 16p13.3.
Variant type: single nucleotide variant.
Coding change: c.154A>G on transcript NM_002528.7 (MANE Select); coding-DNA position 154, A replaced by G.
Protein change: p.Lys52Glu; replaces lysine 52 with glutamic acid.
Molecular consequence: missense variant. On other transcripts: 5 prime UTR variant (1).
Genome position (GRCh38, 1-based): chr16:2,046,328, T>C on the plus strand (A>G on the coding strand, the complement: NTHL1 is on the minus strand). VCF-style: chr16-2046328-T-C. GRCh37 (hg19) VCF-style: chr16-2096329-T-C.
Other names: c.154A>G, p.Lys52Glu (NM_001318193.2); c.-25A>G (NM_001318194.2); short protein forms K52E.
Identifiers: ClinVar variation 4123316 (VCV004123316.1).

ClinVar aggregate classification (germline): Uncertain significance (1 of 4 stars; one submission).

Conditions:
Hereditary cancer-predisposing syndrome. Also called: Hereditary neoplastic syndrome; Neoplastic Syndromes, Hereditary; Tumor predisposition; Hereditary Cancer Syndrome. Identifiers: Orphanet 140162, MedGen C0027672, MeSH D009386, MONDO:0015356.

Submission:

Ambry Genetics
Classification: Uncertain significance for Hereditary cancer-predisposing syndrome. Last evaluated: 2025-06-25. Review status: criteria provided, single submitter. Criteria: Ambry Variant Classification Scheme 2023. Collection method: clinical testing. Allele origin: germline.
Comment: The p.K60E variant (also known as c.178A>G), located in coding exon 2 of the NTHL1 gene, results from an A to G substitution at nucleotide position 178. The lysine at codon 60 is replaced by glutamic acid, an amino acid with similar properties. This amino acid position is conserved. In addition, this alteration is predicted to be tolerated by in silico analysis. Based on the available evidence, the clinical significance of this variant remains unclear.